The following is an entry in ClinVar:

NM_022436.3(ABCG5):c.1517T>C (p.Leu506Pro)

Genes: DYNC2LI1 (dynein cytoplasmic 2 light intermediate chain 1; plus strand), ABCG5 (ATP binding cassette subfamily G member 5; minus strand). Cytogenetic location: 2p21.
Variant type: single nucleotide variant.
Coding change: c.1517T>C on transcript NM_022436.3 (MANE Select); coding-DNA position 1517, T replaced by C.
Protein change: p.Leu506Pro; replaces leucine 506 with proline.
Molecular consequence: missense variant. On other transcripts: intron variant (2).
Genome position (GRCh38, 1-based): chr2:43,820,047, A>G on the plus strand (T>C on the coding strand, the complement: ABCG5 is on the minus strand). VCF-style: chr2-43820047-A-G. GRCh37 (hg19) VCF-style: chr2-44047186-A-G.
Other names: c.*16-7339A>G (NM_001348913.2, NM_001348912.2); short protein forms L506P.
Identifiers: ClinVar variation 5026887 (VCV005026887.1).

ClinVar aggregate classification (germline): Uncertain significance (1 of 4 stars; one submission).

Conditions:
Cardiovascular phenotype. Identifiers: MedGen CN230736.

Submission:

Ambry Genetics
Classification: Uncertain significance for Cardiovascular phenotype. Last evaluated: 2026-08-29. Review status: criteria provided, single submitter. Criteria: Ambry Variant Classification Scheme 2023. Collection method: clinical testing. Allele origin: germline.
Comment: The p.L506P variant (also known as c.1517T>C), located in coding exon 11 of the ABCG5 gene, results from a T to C substitution at nucleotide position 1517. The leucine at codon 506 is replaced by proline, an amino acid with similar properties. This amino acid position is conserved. In addition, the in silico prediction for this alteration is inconclusive. Based on the available evidence, the clinical significance of this variant remains unclear.